The following is an entry in ClinVar:

ClinVar aggregate classification (germline): Conflicting classifications of pathogenicity. Review status: criteria provided, conflicting classifications (1 of 4 stars). 6 submissions from 6 submitters: Uncertain significance (1); Benign (1); Likely benign (3). 1 of the submissions does not count toward it. Last evaluated 2026-08-01.

Conditions:
Finnish congenital nephrotic syndrome (NPHS1). Also called: NEPHROTIC SYNDROME, TYPE 1. Identifiers: Orphanet 839, MedGen C0403399, MONDO:0009732, OMIM 256300.
Focal segmental glomerulosclerosis (FSGS). Also called: Glomerulosclerosis, focal; Focal sclerosis with hyalinosis. Identifiers: MedGen C0017668, MONDO:0100313, HP:0000097. Disease mechanism: loss of function.
Congenital nephrotic syndrome. Also called: Familial nephrotic syndrome. Identifiers: MedGen C3501848, MeSH C535761, MONDO:0002350, HP:0008677.

Allele frequency attached by ClinVar (database versions not stated): gnomAD exomes 0.00050 and 0.00111; ExAC 0.00141; 1000 Genomes Project 0.00260; 1000 Genomes Project 30x 0.00281; gnomAD 0.00370 and 0.00397; TOPMed 0.00419; ESP Exome Variant Server 0.00431.

Submissions (6):

CeGaT Center for Human Genetics Tuebingen
Classification: Likely benign. Last evaluated: 2026-08-01. Review status: criteria provided, single submitter. Criteria: CeGaT Center For Human Genetics Tuebingen Variant Classification Criteria Version 2. Collection method: clinical testing. Allele origin: germline. Affected: yes. Observed: 2 variant alleles.
Comment: NPHS1: BP4, BP7, BS1

Labcorp Genetics (formerly Invitae), Labcorp
Classification: Benign. Last evaluated: 2026-01-28. Review status: criteria provided, single submitter. Criteria: Invitae Variant Classification Sherloc (09022015). Collection method: clinical testing. Allele origin: germline.

GeneDx
Classification: Likely benign. Last evaluated: 2020-12-01. Review status: criteria provided, single submitter. Criteria: GeneDx Variant Classification Process June 2021. Collection method: clinical testing. Allele origin: germline. Affected: yes.

Genome Diagnostics Laboratory, The Hospital for Sick Children
Classification: Likely benign for Focal segmental glomerulosclerosis. Last evaluated: 2020-11-18. Review status: criteria provided, single submitter. Criteria: ACMG Guidelines, 2015. Collection method: clinical testing. Allele origin: germline.

Illumina Laboratory Services, Illumina
Classification: Uncertain significance for Congenital nephrotic syndrome. Last evaluated: 2018-01-12. Review status: criteria provided, single submitter. Criteria: ICSL Variant Classification Criteria 13 December 2019. Collection method: clinical testing. Allele origin: germline.

Natera, Inc.
Classification: Benign for Finnish congenital nephrotic syndrome. Last evaluated: 2019-09-09. Review status: no assertion criteria provided. Collection method: clinical testing. Allele origin: germline. Not counted in ClinVar's aggregate classification.

NM_004646.4(NPHS1):c.1926A>G (p.Val642=)

Gene: NPHS1 (NPHS1 adhesion molecule, nephrin; minus strand). Cytogenetic location: 19q13.12.
Variant type: single nucleotide variant.
Coding change: c.1926A>G on transcript NM_004646.4 (MANE Select); coding-DNA position 1926, A replaced by G.
Protein change: p.Val642=; no amino-acid change (valine 642 retained).
Molecular consequence: synonymous variant.
Genome position (GRCh38, 1-based): chr19:35,845,372, T>C on the plus strand (A>G on the coding strand, the complement: NPHS1 is on the minus strand). VCF-style: chr19-35845372-T-C. GRCh37 (hg19) VCF-style: chr19-36336274-T-C.
Identifiers: ClinVar variation 328865 (VCV000328865.26), dbSNP rs114728208, ClinGen allele CA9390295.